The following is an entry in ClinVar:

NM_003922.4(HERC1):c.1535T>C (p.Val512Ala)

Gene: HERC1 (HECT and RLD domain containing E3 ubiquitin protein ligase family member 1; minus strand). Cytogenetic location: 15q22.31.
Variant type: single nucleotide variant.
Coding change: c.1535T>C on transcript NM_003922.4 (MANE Select); coding-DNA position 1535, T replaced by C.
Protein change: p.Val512Ala; replaces valine 512 with alanine.
Molecular consequence: missense variant.
Genome position (GRCh38, 1-based): chr15:63,755,324, A>G on the plus strand (T>C on the coding strand, the complement: HERC1 is on the minus strand). VCF-style: chr15-63755324-A-G. GRCh37 (hg19) VCF-style: chr15-64047523-A-G.
Other names: c.1535T>C (NM_003922.3); short protein forms V512A.
Identifiers: ClinVar variation 2972742 (VCV002972742.26), dbSNP rs370073027, ClinGen allele CA7606450.

ClinVar aggregate classification (germline): Likely benign. Review status: criteria provided, multiple submitters, no conflicts (2 of 4 stars). 3 submissions from 3 submitters: Likely benign (3). Last evaluated 2026-04-01.

Conditions:
Inborn genetic diseases. Identifiers: MedGen C0950123, MeSH D030342.

Allele frequency attached by ClinVar (database versions not stated): TOPMed 0.00002; ESP Exome Variant Server 0.00008; gnomAD 0.00008; gnomAD exomes 0.00026; ExAC 0.00056; 1000 Genomes Project 30x 0.00078; 1000 Genomes Project 0.00080.
gnomAD v4.1: 389 of 1,610,516 alleles (0.024%); highest among the groups gnomAD compares: South Asian, 0.34%; 8 homozygotes.

Submissions (3):

CeGaT Center for Human Genetics Tuebingen
Classification: Likely benign. Last evaluated: 2026-04-01. Review status: criteria provided, single submitter. Criteria: CeGaT Center For Human Genetics Tuebingen Variant Classification Criteria Version 2. Collection method: clinical testing. Allele origin: germline. Affected: yes. Observed: 5 variant alleles.
Comment: HERC1: BS2

Labcorp Genetics (formerly Invitae), Labcorp
Classification: Likely benign. Last evaluated: 2025-10-01. Review status: criteria provided, single submitter. Criteria: Invitae Variant Classification Sherloc (09022015). Collection method: clinical testing. Allele origin: germline.

Ambry Genetics
Classification: Likely benign for Inborn genetic diseases. Last evaluated: 2024-10-20. Review status: criteria provided, single submitter. Criteria: Ambry Variant Classification Scheme 2023. Collection method: clinical testing. Allele origin: germline.